The following is an entry in ClinVar:

NM_001563.4(IMPG1):c.1861A>C (p.Lys621Gln)

Gene: IMPG1 (interphotoreceptor matrix proteoglycan 1; minus strand). Cytogenetic location: 6q14.1.
Variant type: single nucleotide variant.
Coding change: c.1861A>C on transcript NM_001563.4 (MANE Select); coding-DNA position 1861, A replaced by C.
Protein change: p.Lys621Gln; replaces lysine 621 with glutamine.
Molecular consequence: missense variant.
Genome position (GRCh38, 1-based): chr6:75,947,497, T>G on the plus strand (A>C on the coding strand, the complement: IMPG1 is on the minus strand). VCF-style: chr6-75947497-T-G. GRCh37 (hg19) VCF-style: chr6-76657214-T-G.
Other names: c.1627A>C, p.Lys543Gln (NM_001282368.2); short protein forms K543Q, K621Q.
Identifiers: ClinVar variation 1367367 (VCV001367367.6), dbSNP rs181256434, ClinGen allele CA3898019.

ClinVar aggregate classification (germline): Uncertain significance (1 of 4 stars; one submission).

Allele frequency attached by ClinVar (database versions not stated): gnomAD exomes below 0.00001; ExAC 0.00001; gnomAD 0.00001; TOPMed 0.00002; 1000 Genomes Project 30x 0.00016; 1000 Genomes Project 0.00020.
gnomAD v4.1: 4 of 1,613,738 alleles (0.00025%); highest among the groups gnomAD compares: Admixed American, 0.0033%; no homozygotes.

Submission:

Labcorp Genetics (formerly Invitae), Labcorp
Classification: Uncertain significance. Last evaluated: 2021-07-28. Review status: criteria provided, single submitter. Criteria: Invitae Variant Classification Sherloc (09022015). Collection method: clinical testing. Allele origin: germline.
Comment: In summary, the available evidence is currently insufficient to determine the role of this variant in disease. Therefore, it has been classified as a Variant of Uncertain Significance. Algorithms developed to predict the effect of missense changes on protein structure and function (SIFT, PolyPhen-2, Align-GVGD) all suggest that this variant is likely to be disruptive. This variant has not been reported in the literature in individuals affected with IMPG1-related conditions. This variant is present in population databases (rs181256434, ExAC 0.009%). This sequence change replaces lysine with glutamine at codon 621 of the IMPG1 protein (p.Lys621Gln). The lysine residue is highly conserved and there is a small physicochemical difference between lysine and glutamine.